The following is an entry in ClinVar:

ClinVar aggregate classification (germline): Pathogenic (0 of 4 stars; one submission).

Conditions:
Familial cardiomyopathy. Identifiers: MedGen C0264789, MONDO:0005217.

Submission:

Evolutionary and Medical Genetics Laboratory,  Centre for Cellular and Molecular Biology
Classification: Pathogenic. Review status: no assertion criteria provided. Collection method: not provided. Allele origin: unknown.
Comment: Missense mutation/Non-synonymous
ClinVar note: Converted during submission from pathogenic to Pathogenic.

NM_000257.4(MYH7):c.2028del (p.Asn676fs)

Gene: MYH7 (myosin heavy chain 7; minus strand). Cytogenetic location: 14q11.2.
Variant type: Deletion.
Coding change: c.2028del on transcript NM_000257.4 (MANE Select); coding-DNA position 2028, one base deleted (T; older notation c.2028delT).
Protein change: p.Asn676fs; shifts the reading frame from asparagine 676.
Molecular consequence: frameshift variant.
Genome position (GRCh38, 1-based): chr14:23,426,793, A deleted on the plus strand (T on the coding strand, the reverse complement: MYH7 is on the minus strand). VCF-style (leftmost placement, unchanged base first): chr14-23426792-CA-C. GRCh37 (hg19) VCF-style: chr14-23896001-CA-C.
Other names: N676K; short protein forms N676fs.
Identifiers: ClinVar variation 132917 (VCV000132917.2), dbSNP rs606231331, ClinGen allele CA011588.
Genomic context (GRCh38, chr14:23,426,792, plus strand): 5'-GCGGTGTATGCCCAGCAGTGGGTTGGCCTGAGTTTGTGGCCTCACCTGGAGACTTTGTCT[CA>C]TTAGGGATGATACAACGTACAAAGTGGGGATGGGTGGAGCGCAAGTTGGTCATCAGCTTG-3'